The following is an entry in ClinVar:

NM_003482.4(KMT2D):c.10502T>G (p.Val3501Gly)

Gene: KMT2D (lysine methyltransferase 2D; minus strand). Cytogenetic location: 12q13.12.
Variant type: single nucleotide variant.
Coding change: c.10502T>G on transcript NM_003482.4 (MANE Select); coding-DNA position 10502, T replaced by G.
Protein change: p.Val3501Gly; replaces valine 3501 with glycine.
Molecular consequence: missense variant.
Genome position (GRCh38, 1-based): chr12:49,034,415, A>C on the plus strand (T>G on the coding strand, the complement: KMT2D is on the minus strand). VCF-style: chr12-49034415-A-C. GRCh37 (hg19) VCF-style: chr12-49428198-A-C.
Other names: short protein forms V3501G.
Identifiers: ClinVar variation 579770 (VCV000579770.1), dbSNP rs1565781216, ClinGen allele CA384728686.

ClinVar aggregate classification (germline): Likely pathogenic (1 of 4 stars; one submission).

Conditions:
Kabuki syndrome. Also called: Kabuki make-up syndrome; NIIKAWA-KUROKI SYNDROME. Identifiers: Orphanet 2322, MedGen C0796004, MONDO:0016512.

Submission:

Labcorp Genetics (formerly Invitae), Labcorp
Classification: Likely pathogenic for Kabuki syndrome. Last evaluated: 2018-05-03. Review status: criteria provided, single submitter. Criteria: Invitae Variant Classification Sherloc (09022015). Collection method: clinical testing. Allele origin: germline.
Comment: This sequence change replaces valine with glycine at codon 3501 of the KMT2D protein (p.Val3501Gly). The valine residue is moderately conserved and there is a moderate physicochemical difference between valine and glycine. This variant is not present in population databases (ExAC no frequency). This variant has been reported to be de novo in an individual with features suggestive of Kabuki syndrome (Invitae). Algorithms developed to predict the effect of missense changes on protein structure and function do not agree on the potential impact of this missense change (SIFT: "Deleterious"; PolyPhen-2: "Probably Damaging"; Align-GVGD: "Class C0"). In summary, the currently available evidence indicates that the variant is pathogenic, but additional data are needed to prove that conclusively. Therefore, this variant has been classified as Likely Pathogenic.